The following is an entry in ClinVar:

NM_022455.5(NSD1):c.3613G>C (p.Glu1205Gln)

Gene: NSD1 (nuclear receptor binding SET domain protein 1; plus strand). Cytogenetic location: 5q35.3.
Variant type: single nucleotide variant.
Coding change: c.3613G>C on transcript NM_022455.5 (MANE Select); coding-DNA position 3613, G replaced by C.
Protein change: p.Glu1205Gln; replaces glutamic acid 1205 with glutamine.
Molecular consequence: missense variant.
Genome position (GRCh38, 1-based): chr5:177,212,012, G>C. VCF-style: chr5-177212012-G-C. GRCh37 (hg19) VCF-style: chr5-176639013-G-C.
Other names: c.2740G>C, p.Glu914Gln (NM_001365684.2, NM_001409306.1, NM_001409307.1 and 3 more transcripts); c.3613G>C, p.Glu1205Gln (NM_001409301.1, NM_001409302.1, NM_001409303.1); c.3193G>C, p.Glu1065Gln (NM_001409304.1); c.2860G>C, p.Glu954Gln (NM_001409305.1); short protein forms E1205Q, E1065Q, E954Q, E914Q.
Identifiers: ClinVar variation 3667089 (VCV003667089.2).
Genomic context (GRCh38, chr5:177,212,012, plus strand): 5'-TGTGCCTTTAGGGTCTTACTTCCTAGTGACCCTGTGCAGGAGGGGCGGGATGAGTTTCCA[G>C]AGCATAGAACTCCTTCAGCAAGCATACTTGAGGAACCACTGACAGAGCAAAATCATGCTG-3'
Protein context (NP_071900.2, residues 1195-1215): PVQEGRDEFP[Glu1205Gln]HRTPSASILE

ClinVar aggregate classification (germline): Uncertain significance (1 of 4 stars; one submission).

Submission:

Labcorp Genetics (formerly Invitae), Labcorp
Classification: Uncertain significance. Last evaluated: 2024-06-24. Review status: criteria provided, single submitter. Criteria: Invitae Variant Classification Sherloc (09022015). Collection method: clinical testing. Allele origin: germline.
Comment: This sequence change replaces glutamic acid, which is acidic and polar, with glutamine, which is neutral and polar, at codon 1205 of the NSD1 protein (p.Glu1205Gln). This variant is not present in population databases (gnomAD no frequency). This variant has not been reported in the literature in individuals affected with NSD1-related conditions. Advanced modeling of protein sequence and biophysical properties (such as structural, functional, and spatial information, amino acid conservation, physicochemical variation, residue mobility, and thermodynamic stability) performed at Invitae indicates that this missense variant is not expected to disrupt NSD1 protein function with a negative predictive value of 95%. In summary, the available evidence is currently insufficient to determine the role of this variant in disease. Therefore, it has been classified as a Variant of Uncertain Significance.